The following is an entry in ClinVar:

ClinVar aggregate classification (germline): Uncertain significance/VUS-high. Review status: criteria provided, multiple submitters, no conflicts (2 of 4 stars). 3 submissions from 3 submitters: Uncertain significance (2); VUS-high (1). Last evaluated 2026-04-09.

Conditions:
DIP2B-related neurodevelopmental disorder.

Submissions (3):

Schrauwen Lab, The University of Arizona College of Medicine Phoenix
Classification: VUS-high for DIP2B-related neurodevelopmental disorder. Last evaluated: 2026-04-09. Review status: criteria provided, single submitter. Criteria: ACMG Guidelines, 2015. Collection method: clinical testing. Allele origin: maternal. Affected: yes.

Greenwood Genetic Center Diagnostic Laboratories, Greenwood Genetic Center
Classification: Uncertain significance. Last evaluated: 2022-07-19. Review status: criteria provided, single submitter. Criteria: ACMG Guidelines, 2015. Collection method: clinical testing. Allele origin: germline. Affected: yes.
Comment: PM2

Blueprint Genetics
Classification: Uncertain significance. Last evaluated: 2020-01-13. Review status: criteria provided, single submitter. Criteria: ACMG Guidelines, 2015. Collection method: clinical testing. Allele origin: germline.

NM_173602.3(DIP2B):c.888dup (p.Val297fs)

Gene: DIP2B (DIP2 acetate--CoA ligase B (putative); plus strand). Cytogenetic location: 12q13.12.
Variant type: Duplication.
Coding change: c.888dup on transcript NM_173602.3 (MANE Select); coding-DNA position 888, one base duplicated (T; older notation c.888dupT).
Protein change: p.Val297fs; shifts the reading frame from valine 297.
Molecular consequence: frameshift variant.
Genome position (GRCh38, 1-based): chr12:50,675,420, T duplicated; the last of 6 consecutive T bases (chr12:50,675,415-50,675,420); duplicating any one gives the same sequence. VCF-style (leftmost placement, unchanged base first): chr12-50675414-A-AT. GRCh37 (hg19) VCF-style: chr12-51069197-A-AT.
Other names: c.883dupT (NM_173602.3); short protein forms V297fs.
Identifiers: ClinVar variation 1710440 (VCV001710440.5), dbSNP rs2540106583, ClinGen allele CA2580086397.